The following is an entry in ClinVar:

NM_001276270.2(MBD4):c.901A>G (p.Ser301Gly)

Gene: MBD4 (methyl-CpG binding domain 4, DNA glycosylase; minus strand). Cytogenetic location: 3q21.3.
Variant type: single nucleotide variant.
Coding change: c.901A>G on transcript NM_001276270.2 (MANE Select); coding-DNA position 901, A replaced by G.
Protein change: p.Ser301Gly; replaces serine 301 with glycine.
Molecular consequence: missense variant. On other transcripts: intron variant (1).
Genome position (GRCh38, 1-based): chr3:129,436,743, T>C on the plus strand (A>G on the coding strand, the complement: MBD4 is on the minus strand). VCF-style: chr3-129436743-T-C. GRCh37 (hg19) VCF-style: chr3-129155586-T-C.
Other names: c.901A>G, p.Ser301Gly (NM_001276271.2, NM_001276272.2, NM_003925.3); c.247+1065A>G (NM_001276273.2); short protein forms S301G.
Identifiers: ClinVar variation 3870870 (VCV003870870.2).

ClinVar aggregate classification (germline): Uncertain significance. Review status: criteria provided, multiple submitters, no conflicts (2 of 4 stars). 2 submissions from 2 submitters: Uncertain significance (2). Last evaluated 2025-05-23.

Conditions:
Inborn genetic diseases. Identifiers: MedGen C0950123, MeSH D030342.

gnomAD v4.1: 5 of 1,614,070 alleles (0.00031%); highest among the groups gnomAD compares: Middle Eastern, 0.049%; no homozygotes.

Submissions (2):

Labcorp Genetics (formerly Invitae), Labcorp
Classification: Uncertain significance. Last evaluated: 2025-05-23. Review status: criteria provided, single submitter. Criteria: Invitae Variant Classification Sherloc (09022015). Collection method: clinical testing. Allele origin: germline.
Comment: This sequence change replaces serine, which is neutral and polar, with glycine, which is neutral and non-polar, at codon 301 of the MBD4 protein (p.Ser301Gly). This variant is present in population databases (no rsID available, gnomAD no frequency). This variant has not been reported in the literature in individuals affected with MBD4-related conditions. ClinVar contains an entry for this variant (Variation ID: 3870870). An algorithm developed to predict the effect of missense changes on protein structure and function outputs the following: PolyPhen-2: "Benign". The glycine amino acid residue is found in multiple mammalian species, which suggests that this missense change does not adversely affect protein function. In summary, the available evidence is currently insufficient to determine the role of this variant in disease. Therefore, it has been classified as a Variant of Uncertain Significance.

Ambry Genetics
Classification: Uncertain significance for Inborn genetic diseases. Last evaluated: 2024-12-21. Review status: criteria provided, single submitter. Criteria: Ambry Variant Classification Scheme 2023. Collection method: clinical testing. Allele origin: germline.
Comment: The p.S301G variant (also known as c.901A>G), located in coding exon 3 of the MBD4 gene, results from an A to G substitution at nucleotide position 901. The serine at codon 301 is replaced by glycine, an amino acid with similar properties. This amino acid position is conserved. In addition, this alteration is predicted to be tolerated by in silico analysis. Based on the available evidence, the clinical significance of this variant remains unclear.